The following is an entry in ClinVar:

NM_032603.5(LOXL3):c.1523A>G (p.His508Arg)

Gene: LOXL3 (lysyl oxidase like 3; minus strand). Cytogenetic location: 2p13.1.
Variant type: single nucleotide variant.
Coding change: c.1523A>G on transcript NM_032603.5 (MANE Select); coding-DNA position 1523, A replaced by G.
Protein change: p.His508Arg; replaces histidine 508 with arginine.
Molecular consequence: missense variant.
Genome position (GRCh38, 1-based): chr2:74,535,348, T>C on the plus strand (A>G on the coding strand, the complement: LOXL3 is on the minus strand). VCF-style: chr2-74535348-T-C. GRCh37 (hg19) VCF-style: chr2-74762475-T-C.
Other names: c.1088A>G, p.His363Arg (NM_001289164.3); c.440A>G, p.His147Arg (NM_001289165.2); c.1523A>G (NM_032603.3); short protein forms H147R, H363R, H508R.
Identifiers: ClinVar variation 3716007 (VCV003716007.3).
Genomic context (GRCh38, chr2:74,535,348, plus strand): 5'-TCACTCTCAGAACAGATGACTCCAGCAGTGAAGCGGGTCCCTGTCCTCTTGCAGGTGATG[T>C]GGGTGCCATGATGGGCACACTGATCCAGGGACAGCTCAGTCCCTGTGCAGCGCACTCCAC-3'
Protein context (NP_115992.1, residues 498-518): SLDQCAHHGT[His508Arg]ITCKRTGTRF

ClinVar aggregate classification (germline): Uncertain significance. Review status: criteria provided, multiple submitters, no conflicts (2 of 4 stars). 2 submissions from 2 submitters: Uncertain significance (2). Last evaluated 2026-02-14.

gnomAD v4.1: 55 of 1,613,952 alleles (0.0034%); highest among the groups gnomAD compares: Non-Finnish European, 0.0045%; no homozygotes.

Submissions (2):

GeneDx
Classification: Uncertain significance. Last evaluated: 2026-02-14. Review status: criteria provided, single submitter. Criteria: GeneDx Variant Classification Process June 2021. Collection method: clinical testing. Allele origin: germline.
Comment: In silico analysis supports that this missense variant has a deleterious effect on protein structure/function; Has not been previously published as pathogenic or benign to our knowledge

Labcorp Genetics (formerly Invitae), Labcorp
Classification: Uncertain significance. Last evaluated: 2024-05-24. Review status: criteria provided, single submitter. Criteria: Invitae Variant Classification Sherloc (09022015). Collection method: clinical testing. Allele origin: germline.
Comment: This sequence change replaces histidine, which is basic and polar, with arginine, which is basic and polar, at codon 508 of the LOXL3 protein (p.His508Arg). This variant is present in population databases (rs145420599, gnomAD 0.003%). This variant has not been reported in the literature in individuals affected with LOXL3-related conditions. An algorithm developed to predict the effect of missense changes on protein structure and function (PolyPhen-2) suggests that this variant is likely to be tolerated. In summary, the available evidence is currently insufficient to determine the role of this variant in disease. Therefore, it has been classified as a Variant of Uncertain Significance.